The following is an entry in ClinVar:

NM_001378454.1(ALMS1):c.6020A>G (p.Gln2007Arg)

Gene: ALMS1 (ALMS1 centrosome and basal body associated protein; plus strand). Cytogenetic location: 2p13.1.
Variant type: single nucleotide variant.
Coding change: c.6020A>G on transcript NM_001378454.1 (MANE Select); coding-DNA position 6020, A replaced by G.
Protein change: p.Gln2007Arg; replaces glutamine 2007 with arginine.
Molecular consequence: missense variant.
Genome position (GRCh38, 1-based): chr2:73,452,547, A>G. VCF-style: chr2-73452547-A-G. GRCh37 (hg19) VCF-style: chr2-73679674-A-G.
Other names: c.6023A>G, p.Gln2008Arg (NM_015120.4); short protein forms Q2008R, Q2007R.
Identifiers: ClinVar variation 459876 (VCV000459876.14), dbSNP rs1047348249, ClinGen allele CA50397314.

ClinVar aggregate classification (germline): Conflicting classifications of pathogenicity. Review status: criteria provided, conflicting classifications (1 of 4 stars). 4 submissions from 4 submitters: Uncertain significance (2); Likely benign (1). 1 of the submissions does not count toward it. Last evaluated 2025-07-11.

Conditions:
Alstrom syndrome (ALMS). Identifiers: Orphanet 64, MedGen C0268425, MONDO:0008763, OMIM 203800.
Cardiovascular phenotype. Identifiers: MedGen CN230736.

Allele frequency attached by ClinVar (database versions not stated): gnomAD exomes 0.00009 and 0.00001; gnomAD 0.00001; TOPMed 0.00002.
gnomAD v4.1: 131 of 1,613,996 alleles (0.0081%); highest among the groups gnomAD compares: Non-Finnish European, 0.011%; no homozygotes.

Submissions (4):

GeneDx
Classification: Uncertain significance. Last evaluated: 2025-07-11. Review status: criteria provided, single submitter. Criteria: GeneDx Variant Classification Process June 2021. Collection method: clinical testing. Allele origin: germline.
Comment: Not observed at significant frequency in large population cohorts (gnomAD); In silico analysis suggests that this missense variant does not alter protein structure/function; Has not been previously published as pathogenic or benign to our knowledge

Labcorp Genetics (formerly Invitae), Labcorp
Classification: Uncertain significance for Alstrom syndrome. Last evaluated: 2025-01-29. Review status: criteria provided, single submitter. Criteria: Invitae Variant Classification Sherloc (09022015). Collection method: clinical testing. Allele origin: germline.
Comment: This sequence change replaces glutamine, which is neutral and polar, with arginine, which is basic and polar, at codon 2008 of the ALMS1 protein (p.Gln2008Arg). This variant is present in population databases (no rsID available, gnomAD 0.003%). This variant has not been reported in the literature in individuals affected with ALMS1-related conditions. ClinVar contains an entry for this variant (Variation ID: 459876). An algorithm developed to predict the effect of missense changes on protein structure and function outputs the following: PolyPhen-2: "Not Available". The arginine amino acid residue is found in multiple mammalian species, which suggests that this missense change does not adversely affect protein function. In summary, the available evidence is currently insufficient to determine the role of this variant in disease. Therefore, it has been classified as a Variant of Uncertain Significance.

Ambry Genetics
Classification: Likely benign for Cardiovascular phenotype. Last evaluated: 2024-11-14. Review status: criteria provided, single submitter. Criteria: Ambry Variant Classification Scheme 2023. Collection method: clinical testing. Allele origin: germline.

Natera, Inc.
Classification: Uncertain significance for Alstrom syndrome. Last evaluated: 2021-03-31. Review status: no assertion criteria provided. Collection method: clinical testing. Allele origin: germline. Not counted in ClinVar's aggregate classification.

Literature cited by the submitters: PubMed 36413997 (cited by Ambry Genetics).